The following is an entry in ClinVar:

NM_006031.6(PCNT):c.710A>G (p.His237Arg)

Gene: PCNT (pericentrin; plus strand). Cytogenetic location: 21q22.3.
Variant type: single nucleotide variant.
Coding change: c.710A>G on transcript NM_006031.6 (MANE Select); coding-DNA position 710, A replaced by G.
Protein change: p.His237Arg; replaces histidine 237 with arginine.
Molecular consequence: missense variant.
Genome position (GRCh38, 1-based): chr21:46,346,198, A>G. VCF-style: chr21-46346198-A-G. GRCh37 (hg19) VCF-style: chr21-47766112-A-G.
Other names: c.356A>G, p.His119Arg (NM_001315529.2); short protein forms H119R, H237R.
Identifiers: ClinVar variation 3357212 (VCV003357212.2).

ClinVar aggregate classification (germline): Uncertain significance. Review status: criteria provided, single submitter (1 of 4 stars). 2 submissions from 2 submitters: Uncertain significance (1). 1 of the submissions does not count toward it. Last evaluated 2024-06-30.

Conditions:
PCNT-related disorder. Also called: PCNT-related condition.
Inborn genetic diseases. Identifiers: MedGen C0950123, MeSH D030342.

gnomAD v4.1: 67 of 1,612,934 alleles (0.0042%); highest among the groups gnomAD compares: Non-Finnish European, 0.0054%; no homozygotes.

Submissions (2):

Ambry Genetics
Classification: Uncertain significance for Inborn genetic diseases. Last evaluated: 2024-06-30. Review status: criteria provided, single submitter. Criteria: Ambry Variant Classification Scheme 2023. Collection method: clinical testing. Allele origin: germline.

PreventionGenetics, part of Exact Sciences
Classification: Uncertain significance for PCNT-related condition. Last evaluated: 2024-06-27. Review status: no assertion criteria provided. Collection method: clinical testing. Allele origin: germline. Not counted in ClinVar's aggregate classification.
Comment: The PCNT c.710A>G variant is predicted to result in the amino acid substitution p.His237Arg. To our knowledge, this variant has not been reported in the literature. This variant is reported in 0.0080% of alleles in individuals of African descent in gnomAD. At this time, the clinical significance of this variant is uncertain due to the absence of conclusive functional and genetic evidence.